The following is an entry in ClinVar:

ClinVar aggregate classification (germline): Uncertain significance. Review status: criteria provided, multiple submitters, no conflicts (2 of 4 stars). 2 submissions from 2 submitters: Uncertain significance (2). Last evaluated 2024-04-30.

Conditions:
Alstrom syndrome (ALMS). Identifiers: Orphanet 64, MedGen C0268425, MONDO:0008763, OMIM 203800.
Cardiovascular phenotype. Identifiers: MedGen CN230736.

Allele frequency attached by ClinVar (database versions not stated): gnomAD exomes below 0.00001; gnomAD 0.00001.
gnomAD v4.1: 6 of 1,613,892 alleles (0.00037%); highest among the groups gnomAD compares: Admixed American, 0.0067%; no homozygotes.

Submissions (2):

Labcorp Genetics (formerly Invitae), Labcorp
Classification: Uncertain significance for Alstrom syndrome. Last evaluated: 2024-04-30. Review status: criteria provided, single submitter. Criteria: Invitae Variant Classification Sherloc (09022015). Collection method: clinical testing. Allele origin: germline.
Comment: This sequence change replaces isoleucine, which is neutral and non-polar, with valine, which is neutral and non-polar, at codon 1611 of the ALMS1 protein (p.Ile1611Val). This variant is present in population databases (no rsID available, gnomAD 0.01%). This variant has not been reported in the literature in individuals affected with ALMS1-related conditions. ClinVar contains an entry for this variant (Variation ID: 1743437). Experimental studies and prediction algorithms are not available or were not evaluated, and the functional significance of this variant is currently unknown. In summary, the available evidence is currently insufficient to determine the role of this variant in disease. Therefore, it has been classified as a Variant of Uncertain Significance.

Ambry Genetics
Classification: Uncertain significance for Cardiovascular phenotype. Last evaluated: 2021-11-02. Review status: criteria provided, single submitter. Criteria: Ambry Variant Classification Scheme 2023. Collection method: clinical testing. Allele origin: germline.
Comment: The p.I1611V variant (also known as c.4831A>G), located in coding exon 8 of the ALMS1 gene, results from an A to G substitution at nucleotide position 4831. The isoleucine at codon 1611 is replaced by valine, an amino acid with highly similar properties. This amino acid position is not well conserved in available vertebrate species. In addition, this alteration is predicted to be tolerated by in silico analysis. Since supporting evidence is limited at this time, the clinical significance of this alteration remains unclear.

NM_001378454.1(ALMS1):c.4828A>G (p.Ile1610Val)

Gene: ALMS1 (ALMS1 centrosome and basal body associated protein; plus strand). Cytogenetic location: 2p13.1.
Variant type: single nucleotide variant.
Coding change: c.4828A>G on transcript NM_001378454.1 (MANE Select); coding-DNA position 4828, A replaced by G.
Protein change: p.Ile1610Val; replaces isoleucine 1610 with valine.
Molecular consequence: missense variant.
Genome position (GRCh38, 1-based): chr2:73,451,355, A>G. VCF-style: chr2-73451355-A-G. GRCh37 (hg19) VCF-style: chr2-73678482-A-G.
Other names: c.4831A>G, p.Ile1611Val (NM_015120.4); short protein forms I1611V, I1610V.
Identifiers: ClinVar variation 1743437 (VCV001743437.5), dbSNP rs1365788629, ClinGen allele CA347279351.